The following is an entry in ClinVar:

NM_016373.4(WWOX):c.293C>T (p.Pro98Leu)

Gene: WWOX (WW domain containing oxidoreductase; plus strand). Cytogenetic location: 16q23.1.
Variant type: single nucleotide variant.
Coding change: c.293C>T on transcript NM_016373.4 (MANE Select); coding-DNA position 293, C replaced by T.
Protein change: p.Pro98Leu; replaces proline 98 with leucine.
Molecular consequence: missense variant. On other transcripts: 5 prime UTR variant (1), non-coding transcript variant (1).
Genome position (GRCh38, 1-based): chr16:78,115,038, C>T. VCF-style: chr16-78115038-C-T. GRCh37 (hg19) VCF-style: chr16-78148935-C-T.
Other names: c.-47C>T (NM_001291997.2); c.293C>T, p.Pro98Leu (NM_130791.5); short protein forms P98L.
Identifiers: ClinVar variation 241101 (VCV000241101.17), dbSNP rs144601717, ClinGen allele CA8183142.

ClinVar aggregate classification (germline): Benign/Likely benign. Review status: criteria provided, multiple submitters, no conflicts (2 of 4 stars). 10 submissions from 9 submitters: Benign (9); Likely benign (1). Last evaluated 2026-10-01.

Conditions:
Autosomal recessive spinocerebellar ataxia 12. Also called: SPINOCEREBELLAR ATAXIA WITH MENTAL RETARDATION AND EPILEPSY. Identifiers: Orphanet 284282, MedGen C3280452, MONDO:0013687, OMIM 614322.
Developmental and epileptic encephalopathy, 1 (DEE1). Also called: X-linked infantile spasms; West's syndrome; Tonic spasms with clustering, arrest of psychomotor development and hypsarrhythmia on EEG; X-Linked Infantile Spasm Syndrome; OHTAHARA SYNDROME, X-LINKED; INFANTILE SPASM SYNDROME, X-LINKED 1. Identifiers: MedGen C3463992, MONDO:0010632, OMIM 308350. Disease mechanism: loss of function.
Developmental and epileptic encephalopathy, 28 (DEE28). Also called: Epileptic encephalopathy, early infantile, 28. Identifiers: Orphanet 442835, MedGen C4015519, MONDO:0014533, OMIM 616211.

Allele frequency attached by ClinVar (database versions not stated): gnomAD exomes 0.01232; gnomAD 0.01432 and 0.01477; ESP Exome Variant Server 0.01530; TOPMed 0.01595; 1000 Genomes Project 0.01078; 1000 Genomes Project 30x 0.01124; ExAC 0.01125.
gnomAD v4.1: 22,721 of 1,614,118 alleles (1.4%); highest among the groups gnomAD compares: Middle Eastern, 2.3%; 192 homozygotes.

Submissions (10):

CeGaT Center for Human Genetics Tuebingen
Classification: Benign. Last evaluated: 2026-10-01. Review status: criteria provided, single submitter. Criteria: CeGaT Center For Human Genetics Tuebingen Variant Classification Criteria Version 2. Collection method: clinical testing. Allele origin: germline. Affected: yes. Observed: 10 variant alleles.
Comment: WWOX: BS1, BS2

Labcorp Genetics (formerly Invitae), Labcorp
Classification: Benign for Developmental and epileptic encephalopathy, 1; Autosomal recessive spinocerebellar ataxia 12. Last evaluated: 2026-02-03. Review status: criteria provided, single submitter. Criteria: Invitae Variant Classification Sherloc (09022015). Collection method: clinical testing. Allele origin: germline.

Blueprint Genetics
Classification: Likely benign. Last evaluated: 2024-11-27. Review status: criteria provided, single submitter. Criteria: ACMG Guidelines, 2015. Collection method: clinical testing. Allele origin: germline.

Genome-Nilou Lab
Classification: Benign for Developmental and epileptic encephalopathy, 28. Last evaluated: 2021-12-05. Review status: criteria provided, single submitter. Criteria: ACMG Guidelines, 2015. Collection method: clinical testing. Allele origin: germline. Affected: no.

Genome-Nilou Lab
Classification: Benign for Autosomal recessive spinocerebellar ataxia 12. Last evaluated: 2021-12-05. Review status: criteria provided, single submitter. Criteria: ACMG Guidelines, 2015. Collection method: clinical testing. Allele origin: germline. Affected: no.

Mayo Clinic Laboratories, Mayo Clinic
Classification: Benign. Last evaluated: 2018-12-05. Review status: criteria provided, single submitter. Criteria: ACMG Guidelines, 2015. Collection method: clinical testing. Allele origin: germline. Observed: 26 variant alleles.

Athena Diagnostics
Classification: Benign. Last evaluated: 2017-12-27. Review status: criteria provided, single submitter. Criteria: Athena Diagnostics Criteria. Collection method: clinical testing. Allele origin: germline.

GeneDx
Classification: Benign. Last evaluated: 2016-01-12. Review status: criteria provided, single submitter. Criteria: GeneDx Variant Classification (06012015). Collection method: clinical testing. Allele origin: germline. Affected: yes.
Comment: This variant is considered likely benign or benign based on one or more of the following criteria: it is a conservative change, it occurs at a poorly conserved position in the protein, it is predicted to be benign by multiple in silico algorithms, and/or has population frequency not consistent with disease.

Breakthrough Genomics
Classification: Benign. Review status: criteria provided, single submitter. Criteria: ACMG Guidelines, 2015. Collection method: not provided. Allele origin: germline. Inheritance: Autosomal recessive inheritance. Affected: yes.

PreventionGenetics, part of Exact Sciences
Classification: Benign. Review status: criteria provided, single submitter. Criteria: ACMG Guidelines, 2015. Collection method: clinical testing. Allele origin: germline.